The following is an entry in ClinVar:

ClinVar aggregate classification (germline): Uncertain significance (0 of 4 stars; one submission).

Conditions:
HSD17B4-related disorder. Also called: HSD17B4-related condition; HSD17B4-related disorders.

Allele frequency attached by ClinVar (database versions not stated): gnomAD 0.00001; TOPMed 0.00001; ExAC 0.00002; ESP Exome Variant Server 0.00008.
gnomAD v4.1: 10 of 1,605,126 alleles (0.00062%); highest among the groups gnomAD compares: Non-Finnish European, 0.00085%; no homozygotes.

Submission:

PreventionGenetics, part of Exact Sciences
Classification: Uncertain significance for HSD17B4-related condition. Last evaluated: 2024-02-07. Review status: no assertion criteria provided. Collection method: clinical testing. Allele origin: germline.
Comment: The HSD17B4 c.938C>G variant is predicted to result in the amino acid substitution p.Thr313Ser. To our knowledge, this variant has not been reported in the literature. This variant is reported in 0.0018% of alleles in individuals of European (Non-Finnish) descent in gnomAD. At this time, the clinical significance of this variant is uncertain due to the absence of conclusive functional and genetic evidence.

NM_000414.4(HSD17B4):c.938C>G (p.Thr313Ser)

Gene: HSD17B4 (hydroxysteroid 17-beta dehydrogenase 4; plus strand). Cytogenetic location: 5q23.1.
Variant type: single nucleotide variant.
Coding change: c.938C>G on transcript NM_000414.4 (MANE Select); coding-DNA position 938, C replaced by G.
Protein change: p.Thr313Ser; replaces threonine 313 with serine.
Molecular consequence: missense variant. On other transcripts: non-coding transcript variant (2).
Genome position (GRCh38, 1-based): chr5:119,496,612, C>G. VCF-style: chr5-119496612-C-G. GRCh37 (hg19) VCF-style: chr5-118832307-C-G.
Other names: c.1013C>G, p.Thr338Ser (NM_001199291.3); c.884C>G, p.Thr295Ser (NM_001199292.2); c.866C>G, p.Thr289Ser (NM_001292027.2); c.518C>G, p.Thr173Ser (NM_001292028.2); c.929C>G, p.Thr310Ser (NM_001374497.1); c.938C>G, p.Thr313Ser (NM_001374498.1); c.611C>G, p.Thr204Ser (NM_001374499.1); c.497C>G, p.Thr166Ser (NM_001374500.1); and 1 more; short protein forms T166S, T173S, T176S, T204S, T289S, T295S, T310S, T313S.
Identifiers: ClinVar variation 3029740 (VCV003029740.2), dbSNP rs138766214, ClinGen allele CA3382042.
Genomic context (GRCh38, chr5:119,496,612, plus strand): 5'-GCAGTATAATTGAAGTTCTGAGTAAAATAGATTCAGAAGGAGGAGTTTCAGCAAATCATA[C>G]TAGTCGTGCAACGTCTACAGCAACATCAGGATTTGTAAGTGGGAAAAAAGCCTAAAGCGT-3'
Protein context (NP_000405.1, residues 303-323): DSEGGVSANH[Thr313Ser]SRATSTATSG